The following is an entry in ClinVar:

NM_130849.4(SLC39A4):c.1643T>A (p.Leu548Ter)

Gene: SLC39A4 (solute carrier family 39 member 4; minus strand). Cytogenetic location: 8q24.3.
Variant type: single nucleotide variant.
Coding change: c.1643T>A on transcript NM_130849.4 (MANE Select); coding-DNA position 1643, T replaced by A.
Protein change: p.Leu548Ter; replaces leucine 548 with a stop codon.
Molecular consequence: nonsense.
Genome position (GRCh38, 1-based): chr8:144,412,931, A>T on the plus strand (T>A on the coding strand, the complement: SLC39A4 is on the minus strand). VCF-style: chr8-144412931-A-T. GRCh37 (hg19) VCF-style: chr8-145638315-A-T.
Other names: c.149T>A, p.Leu50Ter (NM_001280557.2); c.1361T>A, p.Leu454Ter (NM_001374839.1); c.1568T>A, p.Leu523Ter (NM_017767.3); short protein forms L50*, L454*, L548*, L523*.
Identifiers: ClinVar variation 2844913 (VCV002844913.3), dbSNP rs1269116944, ClinGen allele CA372618443.

ClinVar aggregate classification (germline): Pathogenic (1 of 4 stars; one submission).

Submission:

Labcorp Genetics (formerly Invitae), Labcorp
Classification: Pathogenic. Last evaluated: 2023-03-11. Review status: criteria provided, single submitter. Criteria: Invitae Variant Classification Sherloc (09022015). Collection method: clinical testing. Allele origin: germline.
Comment: This sequence change creates a premature translational stop signal (p.Leu548*) in the SLC39A4 gene. It is expected to result in an absent or disrupted protein product. Loss-of-function variants in SLC39A4 are known to be pathogenic (PMID: 12955721). This variant is not present in population databases (gnomAD no frequency). This variant has not been reported in the literature in individuals affected with SLC39A4-related conditions. For these reasons, this variant has been classified as Pathogenic.

Literature cited by the submitters: PubMed 12955721.